The following is an entry in ClinVar:

ClinVar aggregate classification (germline): Likely pathogenic (1 of 4 stars; one submission).

Conditions:
Familial thoracic aortic aneurysm and aortic dissection (TAAD). Also called: Thoracic aortic aneurysms and dissections. Identifiers: Orphanet 91387, MedGen C4707243, MONDO:0019625.

Submission:

Labcorp Genetics (formerly Invitae), Labcorp
Classification: Likely pathogenic for Familial thoracic aortic aneurysm and aortic dissection. Last evaluated: 2021-05-08. Review status: criteria provided, single submitter. Criteria: Invitae Variant Classification Sherloc (09022015). Collection method: clinical testing. Allele origin: germline.
Comment: In summary, the currently available evidence indicates that the variant is pathogenic, but additional data are needed to prove that conclusively. Therefore, this variant has been classified as Likely Pathogenic. This variant disrupts the p.Glu526 amino acid residue in TGFBR2. Other variant(s) that disrupt this residue have been determined to be pathogenic (Invitae). This suggests that this residue is clinically significant, and that variants that disrupt this residue are likely to be disease-causing. Advanced modeling of protein sequence and biophysical properties (such as structural, functional, and spatial information, amino acid conservation, physicochemical variation, residue mobility, and thermodynamic stability) performed at Invitae indicates that this missense variant is expected to disrupt TGFBR2 protein function. This variant has not been reported in the literature in individuals with TGFBR2-related conditions. This variant is not present in population databases (ExAC no frequency). This sequence change replaces glutamic acid with lysine at codon 526 of the TGFBR2 protein (p.Glu526Lys). The glutamic acid residue is highly conserved and there is a small physicochemical difference between glutamic acid and lysine.

NM_003242.6(TGFBR2):c.1576G>A (p.Glu526Lys)

Gene: TGFBR2 (transforming growth factor beta receptor 2; plus strand). Cytogenetic location: 3p24.1.
Variant type: single nucleotide variant.
Coding change: c.1576G>A on transcript NM_003242.6 (MANE Select); coding-DNA position 1576, G replaced by A.
Protein change: p.Glu526Lys; replaces glutamic acid 526 with lysine.
Molecular consequence: missense variant.
Genome position (GRCh38, 1-based): chr3:30,691,471, G>A. VCF-style: chr3-30691471-G-A. GRCh37 (hg19) VCF-style: chr3-30732963-G-A.
Other names: c.1651G>A, p.Glu551Lys (NM_001024847.3); c.1759G>A, p.Glu587Lys (NM_001407126.1); c.1684G>A, p.Glu562Lys (NM_001407127.1); c.1603G>A, p.Glu535Lys (NM_001407128.1); c.1579G>A, p.Glu527Lys (NM_001407129.1); c.1573G>A, p.Glu525Lys (NM_001407130.1); c.1471G>A, p.Glu491Lys (NM_001407132.1, NM_001407133.1, NM_001407134.1 and 2 more transcripts); c.1291G>A, p.Glu431Lys (NM_001407137.1); and 2 more; short protein forms E526K, E551K, E491K, E562K, E236K, E527K, E406K, E535K.
Identifiers: ClinVar variation 1498455 (VCV001498455.9), dbSNP rs121918714, ClinGen allele CA351809591.